The following is an entry in ClinVar:

NM_005359.6(SMAD4):c.224A>C (p.Gln75Pro)

Gene: SMAD4 (SMAD family member 4; plus strand). Cytogenetic location: 18q21.2.
Variant type: single nucleotide variant.
Coding change: c.224A>C on transcript NM_005359.6 (MANE Select); coding-DNA position 224, A replaced by C.
Protein change: p.Gln75Pro; replaces glutamine 75 with proline.
Molecular consequence: missense variant. On other transcripts: non-coding transcript variant (2).
Genome position (GRCh38, 1-based): chr18:51,047,270, A>C. VCF-style: chr18-51047270-A-C. GRCh37 (hg19) VCF-style: chr18-48573640-A-C.
Other names: c.224A>C, p.Gln75Pro (NM_001407041.1, NM_001407042.1, NM_001407043.1); short protein forms Q75P.
Identifiers: ClinVar variation 3637563 (VCV003637563.2).

ClinVar aggregate classification (germline): Uncertain significance (1 of 4 stars; one submission).

Conditions:
Juvenile polyposis syndrome (JPS). Identifiers: Orphanet 2929, MedGen C0345893, MONDO:0017380, OMIM 174900.

Submission:

Labcorp Genetics (formerly Invitae), Labcorp
Classification: Uncertain significance for Juvenile polyposis syndrome. Last evaluated: 2024-03-02. Review status: criteria provided, single submitter. Criteria: Invitae Variant Classification Sherloc (09022015). Collection method: clinical testing. Allele origin: germline.
Comment: This sequence change replaces glutamine, which is neutral and polar, with proline, which is neutral and non-polar, at codon 75 of the SMAD4 protein (p.Gln75Pro). This variant is not present in population databases (gnomAD no frequency). This variant has not been reported in the literature in individuals affected with SMAD4-related conditions. Advanced modeling of protein sequence and biophysical properties (such as structural, functional, and spatial information, amino acid conservation, physicochemical variation, residue mobility, and thermodynamic stability) performed at Invitae indicates that this missense variant is not expected to disrupt SMAD4 protein function with a negative predictive value of 95%. In summary, the available evidence is currently insufficient to determine the role of this variant in disease. Therefore, it has been classified as a Variant of Uncertain Significance.